The following is an entry in ClinVar:

ClinVar aggregate classification (germline): Uncertain significance. Review status: criteria provided, multiple submitters, no conflicts (2 of 4 stars). 2 submissions from 2 submitters: Uncertain significance (2). Last evaluated 2026-01-27.

Conditions:
Primary dilated cardiomyopathy (DCM). Also called: Dilated Cardiomyopathy. Identifiers: Orphanet 217604, MedGen C0007193, MeSH D002311, MONDO:0005021, HP:0001644. Inheritance: Various modes of inheritance.

Submissions (2):

Petrovsky National Research Centre of Surgery, The Federal Agency for Scientific Organizations
Classification: Uncertain significance for Primary dilated cardiomyopathy. Last evaluated: 2026-01-27. Review status: criteria provided, single submitter. Criteria: ACMG Guidelines, 2015. Collection method: clinical testing. Allele origin: germline. Affected: yes. Observed: 1 variant allele.
Comment: The variant is in The Genome Aggregation Database (gnomAD) v4.1.0 with total 0.0001325. (Date of access 2026-01-27). In accordance with ACMG (2015) criteria this variant is classified as Uncertain significance with following criteria selected: PVS1.

Labcorp Genetics (formerly Invitae), Labcorp
Classification: Uncertain significance. Last evaluated: 2025-12-20. Review status: criteria provided, single submitter. Criteria: Invitae Variant Classification Sherloc (09022015). Collection method: clinical testing. Allele origin: germline.
Comment: This sequence change creates a premature translational stop signal (p.Ile207Hisfs*9) in the MYLK3 gene. It is expected to result in an absent or disrupted protein product. However, the current clinical and genetic evidence is not sufficient to establish whether loss-of-function variants in MYLK3 cause disease. This variant is present in population databases (rs775401309, gnomAD 0.03%), and has an allele count higher than expected for a pathogenic variant. This variant has not been reported in the literature in individuals affected with MYLK3-related conditions. ClinVar contains an entry for this variant (Variation ID: 1437511). In summary, the available evidence is currently insufficient to determine the role of this variant in disease. Therefore, it has been classified as a Variant of Uncertain Significance.

NM_182493.3(MYLK3):c.618dup (p.Ile207fs)

Gene: MYLK3 (myosin light chain kinase 3; minus strand). Cytogenetic location: 16q11.2.
Variant type: Duplication.
Coding change: c.618dup on transcript NM_182493.3 (MANE Select); coding-DNA position 618, one base duplicated (C; older notation c.618dupC).
Protein change: p.Ile207fs; shifts the reading frame from isoleucine 207.
Molecular consequence: frameshift variant. On other transcripts: intron variant (1).
Genome position (GRCh38, 1-based): chr16:46,738,094, G duplicated on the plus strand (C on the coding strand, the reverse complement: MYLK3 is on the minus strand); the first of 6 consecutive G bases (chr16:46,738,094-46,738,099); duplicating any one gives the same sequence. VCF-style (leftmost placement, unchanged base first): chr16-46738093-T-TG. GRCh37 (hg19) VCF-style: chr16-46772005-T-TG.
Other names: c.-23+1963dup (NM_001308301.1); short protein forms I207fs.
Identifiers: ClinVar variation 1437511 (VCV001437511.7), dbSNP rs775401309, ClinGen allele CA8038183.